The following is an entry in ClinVar:

NM_012469.4(PRPF6):c.2593C>T (p.His865Tyr)

Gene: PRPF6 (pre-mRNA processing factor 6; plus strand). Cytogenetic location: 20q13.33.
Variant type: single nucleotide variant.
Coding change: c.2593C>T on transcript NM_012469.4 (MANE Select); coding-DNA position 2593, C replaced by T.
Protein change: p.His865Tyr; replaces histidine 865 with tyrosine.
Molecular consequence: missense variant.
Genome position (GRCh38, 1-based): chr20:64,031,964, C>T. VCF-style: chr20-64031964-C-T. GRCh37 (hg19) VCF-style: chr20-62663317-C-T.
Other names: short protein forms H865Y.
Identifiers: ClinVar variation 803627 (VCV000803627.6), dbSNP rs1037019727, ClinGen allele CA317550344.
Genomic context (GRCh38, chr20:64,031,964, plus strand): 5'-TTCTGCTGGAACAGGCTGTTTTGGAGTCAGCGGAAGATCACCAAGGCCAGGGAGTGGTTC[C>T]ACCGCACTGTGAAGATTGACTCGGACCTGGGGGATGCCTGGGCCTTCTTCTACAAGTTTG-3'
Protein context (NP_036601.2, residues 855-875): RKITKAREWF[His865Tyr]RTVKIDSDLG

ClinVar aggregate classification (germline): Uncertain significance. Review status: criteria provided, multiple submitters, no conflicts (2 of 4 stars). 2 submissions from 2 submitters: Uncertain significance (2). Last evaluated 2022-07-26.

Conditions:
Retinitis pigmentosa 60 (RP60). Also called: PRPF 6-Related Retinitis Pigmentosa. Identifiers: Orphanet 791, MedGen C3151434, MONDO:0013516, OMIM 613983.

Submissions (2):

Labcorp Genetics (formerly Invitae), Labcorp
Classification: Uncertain significance. Last evaluated: 2022-07-26. Review status: criteria provided, single submitter. Criteria: Invitae Variant Classification Sherloc (09022015). Collection method: clinical testing. Allele origin: germline.
Comment: In summary, the available evidence is currently insufficient to determine the role of this variant in disease. Therefore, it has been classified as a Variant of Uncertain Significance. Algorithms developed to predict the effect of missense changes on protein structure and function (SIFT, PolyPhen-2, Align-GVGD) all suggest that this variant is likely to be tolerated. ClinVar contains an entry for this variant (Variation ID: 803627). This variant has not been reported in the literature in individuals affected with PRPF6-related conditions. This variant is not present in population databases (gnomAD no frequency). This sequence change replaces histidine, which is basic and polar, with tyrosine, which is neutral and polar, at codon 865 of the PRPF6 protein (p.His865Tyr).

Mendelics
Classification: Uncertain significance for Retinitis pigmentosa 60. Last evaluated: 2019-05-28. Review status: criteria provided, single submitter. Criteria: Mendelics Assertion Criteria 2017. Collection method: clinical testing. Allele origin: unknown.